The following is an entry in ClinVar:

ClinVar aggregate classification (germline): Benign/Likely benign. Review status: criteria provided, multiple submitters, no conflicts (2 of 4 stars). 8 submissions from 7 submitters: Benign (6); Likely benign (2). Last evaluated 2026-02-01.

Conditions:
Cone-rod dystrophy 13 (CORD13). Identifiers: Orphanet 1872, MedGen C2750720, MONDO:0011987, OMIM 608194.
Leber congenital amaurosis 6 (LCA6). Identifiers: Orphanet 65, MedGen C1854260, MONDO:0013446, OMIM 613826.
Leber congenital amaurosis 1 (LCA1). Also called: Congenital absence of the rods and cones; Leber's congenital tapetoretinal degeneration; Leber's congenital tapetoretinal dysplasia; AMAUROSIS CONGENITA OF LEBER I; RETINAL BLINDNESS, CONGENITAL. Identifiers: Orphanet 65, MedGen C2931258, MONDO:0008764, OMIM 204000.

Allele frequency attached by ClinVar (database versions not stated): gnomAD exomes 0.00357; ExAC 0.00422; 1000 Genomes Project 0.01458; ESP Exome Variant Server 0.01476; 1000 Genomes Project 30x 0.01499; gnomAD 0.01504; TOPMed 0.01548.
gnomAD v4.1: 4,362 of 1,613,758 alleles (0.27%); highest among the groups gnomAD compares: African/African-American, 5.2%; 94 homozygotes.

Submissions (8):

Labcorp Genetics (formerly Invitae), Labcorp
Classification: Benign for Leber congenital amaurosis 6; Cone-rod dystrophy 13. Last evaluated: 2026-02-01. Review status: criteria provided, single submitter. Criteria: Invitae Variant Classification Sherloc (09022015). Collection method: clinical testing. Allele origin: germline.

Women's Health and Genetics/Laboratory Corporation of America, LabCorp
Classification: Likely benign. Last evaluated: 2022-02-18. Review status: criteria provided, single submitter. Criteria: LabCorp Variant Classification Summary - May 2015. Collection method: clinical testing. Allele origin: germline.

Mendelics
Classification: Benign for Leber congenital amaurosis 1. Last evaluated: 2019-05-28. Review status: criteria provided, single submitter. Criteria: Mendelics Assertion Criteria 2017. Collection method: clinical testing. Allele origin: unknown.

Illumina Laboratory Services, Illumina
Classification: Benign for Cone-rod dystrophy 13. Last evaluated: 2017-04-28. Review status: criteria provided, single submitter. Criteria: ICSL Variant Classification Criteria 13 December 2019. Collection method: clinical testing. Allele origin: germline.
Comment: This variant was observed as part of a predisposition screen in an ostensibly healthy population. A literature search was performed for the gene, cDNA change, and amino acid change (where applicable). No publications were found based on this search. Allele frequency data from public databases was too high to be consistent with this variant causing disease. Therefore, this variant is classified as benign.

Illumina Laboratory Services, Illumina
Classification: Benign for Leber congenital amaurosis 6. Last evaluated: 2017-04-28. Review status: criteria provided, single submitter. Criteria: ICSL Variant Classification Criteria 13 December 2019. Collection method: clinical testing. Allele origin: germline.
Comment: This variant was observed as part of a predisposition screen in an ostensibly healthy population. A literature search was performed for the gene, cDNA change, and amino acid change (where applicable). Publications were found based on this search. The evidence from the literature, in combination with allele frequency data from public databases where available, was sufficient to rule this variant out of causing disease. Therefore, this variant is classified as benign.

Eurofins Ntd Llc (ga)
Classification: Benign. Last evaluated: 2016-06-14. Review status: criteria provided, single submitter. Criteria: EGL Classification Definitions 2015. Collection method: clinical testing. Allele origin: germline. Observed: 1 variant allele, 1 heterozygote.

Center for Pediatric Genomic Medicine, Children's Mercy Hospital and Clinics
Classification: Benign. Last evaluated: 2016-05-19. Review status: criteria provided, single submitter. Criteria: ACMG Guidelines, 2015. Collection method: clinical testing. Allele origin: germline.

Breakthrough Genomics
Classification: Likely benign. Review status: criteria provided, single submitter. Criteria: ACMG Guidelines, 2015. Collection method: not provided. Allele origin: germline. Inheritance: Autosomal recessive inheritance. Affected: yes.

Literature cited by the submitters: PubMed 21857984 (cited by Illumina Laboratory Services, Illumina); PubMed 21224891 (cited by Illumina Laboratory Services, Illumina); PubMed 16374347 (cited by Illumina Laboratory Services, Illumina).

NM_020366.4(RPGRIP1):c.1793G>A (p.Arg598Gln)

Gene: RPGRIP1 (RPGR interacting protein 1; plus strand). Cytogenetic location: 14q11.2.
Variant type: single nucleotide variant.
Coding change: c.1793G>A on transcript NM_020366.4 (MANE Select); coding-DNA position 1793, G replaced by A.
Protein change: p.Arg598Gln; replaces arginine 598 with glutamine.
Molecular consequence: missense variant. On other transcripts: intron variant (3).
Genome position (GRCh38, 1-based): chr14:21,324,648, G>A. VCF-style: chr14-21324648-G-A. GRCh37 (hg19) VCF-style: chr14-21792807-G-A.
Other names: c.719G>A, p.Arg240Gln (NM_001377948.1, NM_001377949.1); c.688+2644G>A (NM_001377523.1, NM_001377950.1); c.190+2644G>A (NM_001377951.1); short protein forms R598Q, R240Q.
Identifiers: ClinVar variation 235620 (VCV000235620.23), dbSNP rs74034910, ClinGen allele CA7089095.